The following is an entry in ClinVar:

ClinVar aggregate classification (germline): Uncertain significance (1 of 4 stars; one submission).

Conditions:
Abdominal obesity-metabolic syndrome 3 (AOMS3). Also called: CENTRAL OBESITY, TYPE 2 DIABETES, HYPERTENSION, AND EARLY-ONSET CORONARY ARTERY DISEASE. Identifiers: MedGen C4014361, MONDO:0014352, OMIM 615812.

gnomAD v4.1: 13 of 1,456,634 alleles (0.00089%); highest among the groups gnomAD compares: South Asian, 0.0014%; no homozygotes.

Submission:

Foundation for Research in Genetics and Endocrinology, FRIGE's Institute of Human Genetics
Classification: Uncertain significance for Abdominal obesity-metabolic syndrome 3. Last evaluated: 2025-08-15. Review status: criteria provided, single submitter. Criteria: ACMG Guidelines, 2015. Collection method: clinical testing. Allele origin: germline. Inheritance: Autosomal dominant inheritance. Affected: yes. Observed: 1 heterozygote.
Comment: A heterozygous missense variant in exon 9 of the DYRK1B gene that results in the amino acid substitution of Tryptophan for Arginine at codon 374 (p.Arg374Trp) was detected. The variant has not been reported in the 1000 genomes and gnomAD (v3.1) databases and has a minor allele frequency of 0.00499% and 0.00038% in the gnomAD (v2.1) and topmed databases respectively. The in-silico predictions of the variant are possibly damaging by PolyPhen-2 and damaging by SIFT and LRT. The reference codon is conserved across species. In summary, the variant meets our criteria to be classified as variant of uncertain significance.

NM_004714.3(DYRK1B):c.1120C>T (p.Arg374Trp)

Gene: DYRK1B (dual specificity tyrosine phosphorylation regulated kinase 1B; minus strand). Cytogenetic location: 19q13.2.
Variant type: single nucleotide variant.
Coding change: c.1120C>T on transcript NM_004714.3 (MANE Select); coding-DNA position 1120, C replaced by T.
Protein change: p.Arg374Trp; replaces arginine 374 with tryptophan.
Molecular consequence: missense variant. On other transcripts: intron variant (1).
Genome position (GRCh38, 1-based): chr19:39,826,963, G>A on the plus strand (C>T on the coding strand, the complement: DYRK1B is on the minus strand). VCF-style: chr19-39826963-G-A. GRCh37 (hg19) VCF-style: chr19-40317603-G-A.
Other names: p.Arg374Trp; c.1120C>T, p.Arg374Trp (NM_006484.3); c.1096-96C>T (NM_006483.3); short protein forms R374W.
Identifiers: ClinVar variation 4082207 (VCV004082207.1).